The following is an entry in ClinVar:

ClinVar aggregate classification (germline): Conflicting classifications of pathogenicity. Review status: criteria provided, conflicting classifications (1 of 4 stars). 6 submissions from 5 submitters: Uncertain significance (5); Benign (1). Last evaluated 2025-09-02.

Conditions:
Neurofibromatosis, type 1 (NF1). Also called: VON RECKLINGHAUSEN DISEASE; Neurofibromatosis, type I; NEUROFIBROMATOSIS, TYPE I, SOMATIC; Peripheral type neurofibromatosis. Identifiers: Orphanet 636, MedGen C0027831, MONDO:0018975, OMIM 162200. Disease mechanism: loss of function.
Hereditary cancer-predisposing syndrome. Also called: Neoplastic Syndromes, Hereditary; Hereditary Cancer Syndrome; Hereditary neoplastic syndrome; Tumor predisposition. Identifiers: Orphanet 140162, MedGen C0027672, MeSH D009386, MONDO:0015356.
Cardiovascular phenotype. Identifiers: MedGen CN230736.

Allele frequency attached by ClinVar (database versions not stated): gnomAD exomes below 0.00001; TOPMed below 0.00001.
gnomAD v4.1: 1 of 1,613,656 alleles (0.000062%); highest among the groups gnomAD compares: African/African-American, 0.0013%; no homozygotes.

Submissions (6):

Labcorp Genetics (formerly Invitae), Labcorp
Classification: Benign for Neurofibromatosis, type 1. Last evaluated: 2025-09-02. Review status: criteria provided, single submitter. Criteria: Invitae Variant Classification Sherloc (09022015). Collection method: clinical testing. Allele origin: germline.

Ambry Genetics
Classification: Uncertain significance for Cardiovascular phenotype; Hereditary cancer-predisposing syndrome. Last evaluated: 2022-11-17. Review status: criteria provided, single submitter. Criteria: Ambry Variant Classification Scheme 2023. Collection method: clinical testing. Allele origin: germline.

Genome-Nilou Lab
Classification: Uncertain significance for Neurofibromatosis, type 1. Last evaluated: 2022-03-15. Review status: criteria provided, single submitter. Criteria: ACMG Guidelines, 2015. Collection method: clinical testing. Allele origin: germline. Affected: no.

Sema4
Classification: Uncertain significance for Hereditary cancer-predisposing syndrome. Last evaluated: 2022-03-01. Review status: criteria provided, single submitter. Criteria: Sema4 Curation Guidelines. Collection method: curation. Allele origin: germline.
Comment: The NF1 c.1855A>G (p.R619G) variant has not been reported in the literature to our knowledge. This variant was observed in 1/16184 chromosomes in the African/African American population according to the Genome Aggregation Database (PMID: 32461654), and has been reported in ClinVar (Variation ID: 141531). Functional studies have not been performed, and in silico predictions of the variant's effect on protein function are inconclusive. The evidence is insufficient to meet ACMG/AMP criteria for classifying the variant as benign or pathogenic. Thus, the clinical significance of this variant is currently uncertain.

GeneDx
Classification: Uncertain significance. Last evaluated: 2017-06-15. Review status: criteria provided, single submitter. Criteria: GeneDx Variant Classification (06012015). Collection method: clinical testing. Allele origin: germline. Affected: yes.
Comment: This variant is denoted NF1 c.1855A>G at the cDNA level, p.Arg619Gly (R619G) at the protein level, and results in the change of an Arginine to a Glycine (AGA>GGA). This variant has not, to our knowledge, been published in the literature as pathogenic or benign. NF1 Arg619Gly was not observed in large population cohorts (NHLBI Exome Sequencing Project, The 1000 Genomes Consortium 2015, Lek 2016). Since Arginine and Glycine differ in polarity, charge, size or other properties, this is considered a non-conservative amino acid substitution. NF1 Arg619Gly occurs at a position that is conserved across species and is located within the GTPase activating protein domain (Luo 2014). In silico analyses are inconsistent regarding the effect this variant may have on protein structure and function. Based on currently available evidence, it is unclear whether NF1 Arg619Gly is a pathogenic or benign variant. We consider it to be a variant of uncertain significance.

Ambry Genetics
Classification: Uncertain significance for Hereditary cancer-predisposing syndrome. Last evaluated: 2014-02-24. Review status: criteria provided, single submitter. Criteria: Ambry Autosomal Dominant and X-Linked criteria (10/2015). Collection method: clinical testing. Allele origin: germline. Observed: 1 variant allele.
Comment: The p.R619G variant (also known as c.1855A>G), located in coding exon 17 of the NF1 gene, results from an A to G substitution at nucleotide position 1855. The arginine at codon 619 is replaced by glycine, an amino acid with dissimilar properties. This variant was not reported in population based cohorts in the following databases: Database of Single Nucleotide Polymorphisms (dbSNP), NHLBI Exome Sequencing Project (ESP), and 1000 Genomes Project. Based on protein sequence alignment, this amino acid position is highly conserved in available vertebrate species.In addition, this alteration is predicted to be possibly damaging and tolerated by PolyPhen and SIFT in silico analyses, respectively. Since supporting evidence is limited at this time, the clinical significance of p.R619G remains unclear.

NM_001042492.3(NF1):c.1855A>G (p.Arg619Gly)

Gene: NF1 (neurofibromin 1; plus strand). Cytogenetic location: 17q11.2.
Variant type: single nucleotide variant.
Coding change: c.1855A>G on transcript NM_001042492.3 (MANE Select); coding-DNA position 1855, A replaced by G.
Protein change: p.Arg619Gly; replaces arginine 619 with glycine.
Molecular consequence: missense variant.
Genome position (GRCh38, 1-based): chr17:31,225,104, A>G. VCF-style: chr17-31225104-A-G. GRCh37 (hg19) VCF-style: chr17-29552122-A-G.
Other names: c.1855A>G, p.Arg619Gly (NM_000267.4); short protein forms R619G.
Identifiers: ClinVar variation 141531 (VCV000141531.11), dbSNP rs587781821, ClinGen allele CA165700.